The following is an entry in ClinVar:

NM_014918.5(CHSY1):c.1552C>G (p.Gln518Glu)

Gene: CHSY1 (chondroitin sulfate synthase 1; minus strand). Cytogenetic location: 15q26.3.
Variant type: single nucleotide variant.
Coding change: c.1552C>G on transcript NM_014918.5 (MANE Select); coding-DNA position 1552, C replaced by G.
Protein change: p.Gln518Glu; replaces glutamine 518 with glutamic acid.
Molecular consequence: missense variant.
Genome position (GRCh38, 1-based): chr15:101,178,245, G>C on the plus strand (C>G on the coding strand, the complement: CHSY1 is on the minus strand). VCF-style: chr15-101178245-G-C. GRCh37 (hg19) VCF-style: chr15-101718450-G-C.
Other names: short protein forms Q518E.
Identifiers: ClinVar variation 1394433 (VCV001394433.1), dbSNP rs1274574182, ClinGen allele CA393960129.

ClinVar aggregate classification (germline): Uncertain significance (1 of 4 stars; one submission).

Conditions:
Temtamy preaxial brachydactyly syndrome (TPBS). Identifiers: Orphanet 363417, MedGen C1854466, MONDO:0011533, OMIM 605282.

Allele frequency attached by ClinVar (database versions not stated): gnomAD 0.00001; gnomAD exomes 0.00001.
gnomAD v4.1: 6 of 1,614,058 alleles (0.00037%); highest among the groups gnomAD compares: South Asian, 0.0044%; no homozygotes.

Submission:

Labcorp Genetics (formerly Invitae), Labcorp
Classification: Uncertain significance for Temtamy preaxial brachydactyly syndrome. Last evaluated: 2021-11-22. Review status: criteria provided, single submitter. Criteria: Invitae Variant Classification Sherloc (09022015). Collection method: clinical testing. Allele origin: germline.
Comment: This sequence change replaces glutamine, which is neutral and polar, with glutamic acid, which is acidic and polar, at codon 518 of the CHSY1 protein (p.Gln518Glu). This variant is present in population databases (no rsID available, gnomAD 0.006%). This variant has not been reported in the literature in individuals affected with CHSY1-related conditions. Algorithms developed to predict the effect of missense changes on protein structure and function (SIFT, PolyPhen-2, Align-GVGD) all suggest that this variant is likely to be tolerated. In summary, the available evidence is currently insufficient to determine the role of this variant in disease. Therefore, it has been classified as a Variant of Uncertain Significance.